The following is an entry in ClinVar:

NC_000008.11:g.(?_133236171)_(133298304_?)dup

Gene: NDRG1 (N-myc downstream regulated 1; minus strand). Cytogenetic location: 8q24.22.
Variant type: Duplication.
Identifiers: ClinVar variation 831140 (VCV000831140.2).

ClinVar aggregate classification (germline): Uncertain significance (1 of 4 stars; one submission).

Conditions:
Charcot-Marie-Tooth disease type 4. Also called: Charcot-Marie-Tooth, Type 4; Charcot-Marie-Tooth disease, type IV. Identifiers: Orphanet 64749, MedGen C4082197, MONDO:0018995.

Submission:

Labcorp Genetics (formerly Invitae), Labcorp
Classification: Uncertain significance for Charcot-Marie-Tooth disease type 4. Last evaluated: 2019-05-31. Review status: criteria provided, single submitter. Criteria: Invitae Variant Classification Sherloc (09022015). Collection method: clinical testing. Allele origin: germline.
Comment: This variant results in a copy number gain of the genomic region encompassing the full coding sequence of the NDRG1 gene. The boundaries of this event are unknown as they extend beyond the assayed region for this gene and therefore may encompass additional genes. As the precise location of this event is unknown, it may be in tandem or it may be located elsewhere in the genome. This variant has not been reported in the literature in individuals with NDRG1-related disease. In summary, the available evidence is currently insufficient to determine the role of this variant in disease. Therefore, it has been classified as a Variant of Uncertain Significance.